The following is an entry in ClinVar:

ClinVar aggregate classification (germline): Pathogenic (1 of 4 stars; one submission).

Submission:

Labcorp Genetics (formerly Invitae), Labcorp
Classification: Pathogenic. Last evaluated: 2025-06-03. Review status: criteria provided, single submitter. Criteria: Invitae Variant Classification Sherloc (09022015). Collection method: clinical testing. Allele origin: germline.
Comment: This sequence change creates a premature translational stop signal (p.Gly93Aspfs*45) in the CLCN5 gene. It is expected to result in an absent or disrupted protein product. Loss-of-function variants in CLCN5 are known to be pathogenic (PMID: 22876375, 25907713). This variant is not present in population databases (gnomAD no frequency). This premature translational stop signal has been observed in individual(s) with Dent disease (PMID: 32495484). This variant is also known as c.483delA p.Gly163Aspfs*45. ClinVar contains an entry for this variant (Variation ID: 3723277). For these reasons, this variant has been classified as Pathogenic.

Literature cited by the submitters: PubMed 22876375; PubMed 25907713; PubMed 32495484.

NM_001127898.4(CLCN5):c.483del (p.Gly163fs)

Gene: CLCN5 (Cl-/H+ antiporter 5; plus strand). Cytogenetic location: Xp11.23.
Variant type: Deletion.
Coding change: c.483del on transcript NM_001127898.4 (MANE Select); coding-DNA position 483, one base deleted (A; older notation c.483delA).
Protein change: p.Gly163fs; shifts the reading frame from glycine 163.
Molecular consequence: frameshift variant.
Genome position (GRCh38, 1-based): chrX:50,075,862, A deleted. VCF-style (leftmost placement, unchanged base first): chrX-50075861-CA-C. GRCh37 (hg19) VCF-style: chrX-49840516-CA-C.
Other names: c.273del, p.Gly93fs (NM_000084.5); c.483del, p.Gly163fs (NM_001127899.4); c.333del, p.Gly113fs (NM_001282163.2); short protein forms G113fs, G163fs, G93fs.
Identifiers: ClinVar variation 3723277 (VCV003723277.2).
Genomic context (GRCh38, chrX:50,075,861, plus strand): 5'-TAGCTGGTTTGATAGACATCTCTGCTCATTGGATGACAGACTTAAAAGAAGGTATATGCA[CA>C]GGGGGATTCTGGTTTAACCATGAACATTGTTGCTGGAACTCTGAGCATGTCACCTTTGAA-3'